The following is an entry in ClinVar:

ClinVar aggregate classification (germline): Pathogenic (1 of 4 stars; one submission).

Conditions:
Familial thoracic aortic aneurysm and aortic dissection (TAAD). Also called: Thoracic aortic aneurysms and dissections. Identifiers: Orphanet 91387, MedGen C4707243, MONDO:0019625.

Submission:

Ambry Genetics
Classification: Pathogenic for Familial thoracic aortic aneurysm and aortic dissection. Last evaluated: 2015-04-06. Review status: criteria provided, single submitter. Criteria: Ambry Variant Classification Scheme 2023. Collection method: clinical testing. Allele origin: germline.
Comment: The c.885_892delCAACATGG (p.N296Efs*38) pathogenic mutation, located in coding exon 5 of the FLNA gene, results from a deletion of 8 nucleotides between nucleotide positions 885 and 892, causing a translational frameshift with a predicted alternate stop codon. X-inactivation studies demonstrated random X inactivation and subsequent cultured fibroblasts had two cells lines in which one was observed to have no detectable FLNA protein (Reinstein E, Am. J. Med. Genet. A 2012 Aug; 158A(8):1897-901). In addition to the clinical data presented in the literature, since frameshifts are typically deleterious in nature, this alteration is interpreted as a disease-causing mutation (ACMG Recommendations for Standards for Interpretation and Reporting of Sequence Variations. Revision 2007. Genet Med. 2008;10:294).

Literature cited by the submitters: PubMed 22740120; PubMed 23032111.

NM_001110556.2(FLNA):c.885_892del (p.Asn296fs)

Gene: FLNA (filamin A; minus strand). Cytogenetic location: Xq28.
Variant type: Deletion.
Coding change: c.885_892del on transcript NM_001110556.2 (MANE Select); coding-DNA positions 885 to 892, 8 bases deleted (CAACATGG; older notation c.885_892delCAACATGG).
Protein change: p.Asn296fs; shifts the reading frame from asparagine 296.
Molecular consequence: frameshift variant.
Genome position (GRCh38, 1-based): chrX:154,366,827-154,366,834, CCATGTTG deleted on the plus strand (CAACATGG on the coding strand, the reverse complement: FLNA is on the minus strand); deleting any 8 consecutive bases within chrX:154,366,827-154,366,836 gives the same sequence; the c. name uses the placement nearest the transcript's 3' end. VCF-style (leftmost placement, unchanged base first): chrX-154366826-ACCATGTTG-A. GRCh37 (hg19) VCF-style: chrX-153595194-ACCATGTTG-A.
Other names: c.885_892delCAACATGG (NM_001456.3); c.885_892del, p.Asn296fs (NM_001456.4); short protein forms N296fs.
Identifiers: ClinVar variation 263954 (VCV000263954.5), dbSNP rs886038987, ClinGen allele CA10587974.